The following is an entry in ClinVar:

NM_198253.3(TERT):c.584G>C (p.Arg195Thr)

Gene: TERT (telomerase reverse transcriptase; minus strand). Cytogenetic location: 5p15.33.
Variant type: single nucleotide variant.
Coding change: c.584G>C on transcript NM_198253.3 (MANE Select); coding-DNA position 584, G replaced by C.
Protein change: p.Arg195Thr; replaces arginine 195 with threonine.
Molecular consequence: missense variant. On other transcripts: non-coding transcript variant (2).
Genome position (GRCh38, 1-based): chr5:1,294,302, C>G on the plus strand (G>C on the coding strand, the complement: TERT is on the minus strand). VCF-style: chr5-1294302-C-G. GRCh37 (hg19) VCF-style: chr5-1294417-C-G.
Other names: c.584G>C, p.Arg195Thr (NM_001193376.3, NM_003219.1); short protein forms R195T.
Identifiers: ClinVar variation 2943196 (VCV002943196.3), dbSNP rs1265726828, ClinGen allele CA359057316.

ClinVar aggregate classification (germline): Uncertain significance (1 of 4 stars; one submission).

Conditions:
Idiopathic Pulmonary Fibrosis. Also called: Idiopathic fibrosing alveolitis, chronic form; idiopathic fibrosing alveolitis. Identifiers: Orphanet 2032, MedGen C1800706, MeSH D054990, MONDO:0800504.
Dyskeratosis congenita, autosomal dominant 2. Identifiers: MedGen C3151443, MONDO:0013521, OMIM 613989.

Submission:

Labcorp Genetics (formerly Invitae), Labcorp
Classification: Uncertain significance for Dyskeratosis congenita, autosomal dominant 2; Idiopathic Pulmonary Fibrosis. Last evaluated: 2023-01-14. Review status: criteria provided, single submitter. Criteria: Invitae Variant Classification Sherloc (09022015). Collection method: clinical testing. Allele origin: germline.
Comment: This sequence change replaces arginine, which is basic and polar, with threonine, which is neutral and polar, at codon 195 of the TERT protein (p.Arg195Thr). This variant is not present in population databases (gnomAD no frequency). This variant has not been reported in the literature in individuals affected with TERT-related conditions. Advanced modeling of protein sequence and biophysical properties (such as structural, functional, and spatial information, amino acid conservation, physicochemical variation, residue mobility, and thermodynamic stability) performed at Invitae indicates that this missense variant is not expected to disrupt TERT protein function. In summary, the available evidence is currently insufficient to determine the role of this variant in disease. Therefore, it has been classified as a Variant of Uncertain Significance.